The following is an entry in ClinVar:

ClinVar aggregate classification (germline): Uncertain significance (1 of 4 stars; one submission).

Conditions:
Mendelian susceptibility to mycobacterial diseases due to complete IL12RB1 deficiency. Also called: IL12RB1 DEFICIENCY; Immunodeficiency 30. Identifiers: Orphanet 319552, MedGen C4013949, MONDO:0013955, OMIM 614891.

Allele frequency attached by ClinVar (database versions not stated): gnomAD exomes below 0.00001.
gnomAD v4.1: 1 of 1,609,570 alleles (0.000062%); highest among the groups gnomAD compares: Non-Finnish European, 0.000085%; no homozygotes.

Submission:

Labcorp Genetics (formerly Invitae), Labcorp
Classification: Uncertain significance for Mendelian susceptibility to mycobacterial diseases due to complete IL12RB1 deficiency. Last evaluated: 2024-10-25. Review status: criteria provided, single submitter. Criteria: Invitae Variant Classification Sherloc (09022015). Collection method: clinical testing. Allele origin: germline.
Comment: This sequence change replaces glutamic acid, which is acidic and polar, with valine, which is neutral and non-polar, at codon 341 of the IL12RB1 protein (p.Glu341Val). This variant is not present in population databases (gnomAD no frequency). This variant has not been reported in the literature in individuals affected with IL12RB1-related conditions. ClinVar contains an entry for this variant (Variation ID: 1349904). An algorithm developed to predict the effect of missense changes on protein structure and function (PolyPhen-2) suggests that this variant is likely to be disruptive. In summary, the available evidence is currently insufficient to determine the role of this variant in disease. Therefore, it has been classified as a Variant of Uncertain Significance.

NM_005535.3(IL12RB1):c.1022A>T (p.Glu341Val)

Gene: IL12RB1 (interleukin 12 receptor subunit beta 1; minus strand). Cytogenetic location: 19p13.11.
Variant type: single nucleotide variant.
Coding change: c.1022A>T on transcript NM_005535.3 (MANE Select); coding-DNA position 1022, A replaced by T.
Protein change: p.Glu341Val; replaces glutamic acid 341 with valine.
Molecular consequence: missense variant.
Genome position (GRCh38, 1-based): chr19:18,069,713, T>A on the plus strand (A>T on the coding strand, the complement: IL12RB1 is on the minus strand). VCF-style: chr19-18069713-T-A. GRCh37 (hg19) VCF-style: chr19-18180523-T-A.
Other names: c.1022A>T, p.Glu341Val (NM_001290023.2); c.1142A>T, p.Glu381Val (NM_001290024.2); short protein forms E341V, E381V.
Identifiers: ClinVar variation 1349904 (VCV001349904.8), dbSNP rs2146216439, ClinGen allele CA404779154.